The following is an entry in ClinVar:

NM_001128164.2(ATXN1):c.2076del (p.Asn692fs)

Gene: ATXN1 (ataxin 1; minus strand). Cytogenetic location: 6p22.3.
Variant type: Deletion.
Coding change: c.2076del on transcript NM_001128164.2 (MANE Select); coding-DNA position 2076, one base deleted (C; older notation c.2076delC).
Protein change: p.Asn692fs; shifts the reading frame from asparagine 692.
Molecular consequence: frameshift variant. On other transcripts: 3 prime UTR variant (1).
Genome position (GRCh38, 1-based): chr6:16,306,701, G deleted on the plus strand (C on the coding strand, the reverse complement: ATXN1 is on the minus strand). VCF-style (leftmost placement, unchanged base first): chr6-16306700-CG-C. GRCh37 (hg19) VCF-style: chr6-16306931-CG-C.
Other names: c.2076delC, p.Asn692Lysfs (NM_000332.3); c.2076del, p.Asn692fs (NM_000332.4); c.*1489del (NM_001357857.2); short protein forms N692fs.
Identifiers: ClinVar variation 1711919 (VCV001711919.2), dbSNP rs2480597854, ClinGen allele CA2580074228.

ClinVar aggregate classification (germline): Uncertain significance (1 of 4 stars; one submission).

Submission:

GeneDx
Classification: Uncertain significance. Last evaluated: 2022-04-18. Review status: criteria provided, single submitter. Criteria: GeneDx Variant Classification Process June 2021. Collection method: clinical testing. Allele origin: germline. Affected: yes.
Comment: Not observed at significant frequency in large population cohorts (gnomAD); Frameshift variant predicted to result in protein truncation as the last 124 amino acids are replaced with 16 different amino acids, although loss-of-function variants have not been reported downstream of this position in the protein; Has not been previously published as pathogenic or benign to our knowledge